The following is an entry in ClinVar:

NM_019066.5(MAGEL2):c.2339C>G (p.Pro780Arg)

Gene: MAGEL2 (MAGE family member L2; minus strand). Cytogenetic location: 15q11.2.
Variant type: single nucleotide variant.
Coding change: c.2339C>G on transcript NM_019066.5 (MANE Select); coding-DNA position 2339, C replaced by G.
Protein change: p.Pro780Arg; replaces proline 780 with arginine.
Molecular consequence: missense variant.
Genome position (GRCh38, 1-based): chr15:23,645,404, G>C on the plus strand (C>G on the coding strand, the complement: MAGEL2 is on the minus strand). VCF-style: chr15-23645404-G-C. GRCh37 (hg19) VCF-style: chr15-23890551-G-C.
Other names: short protein forms P780R.
Identifiers: ClinVar variation 1710372 (VCV001710372.3), dbSNP rs747205153, ClinGen allele CA391332195.

ClinVar aggregate classification (germline): Uncertain significance (1 of 4 stars; one submission).

gnomAD v4.1: 4 of 1,614,022 alleles (0.00025%); highest among the groups gnomAD compares: Non-Finnish European, 0.00034%; no homozygotes.

Submission:

Greenwood Genetic Center Diagnostic Laboratories, Greenwood Genetic Center
Classification: Uncertain significance. Last evaluated: 2022-08-24. Review status: criteria provided, single submitter. Criteria: ACMG Guidelines, 2015. Collection method: clinical testing. Allele origin: germline. Affected: yes.
Comment: PM2